The following is an entry in ClinVar:

NM_024675.4(PALB2):c.2717G>A (p.Trp906Ter)

Gene: PALB2 (partner and localizer of BRCA2; minus strand). Cytogenetic location: 16p12.2.
Variant type: single nucleotide variant.
Coding change: c.2717G>A on transcript NM_024675.4 (MANE Select); coding-DNA position 2717, G replaced by A.
Protein change: p.Trp906Ter; replaces tryptophan 906 with a stop codon.
Molecular consequence: nonsense.
Genome position (GRCh38, 1-based): chr16:23,626,267, C>T on the plus strand (G>A on the coding strand, the complement: PALB2 is on the minus strand). VCF-style: chr16-23626267-C-T. GRCh37 (hg19) VCF-style: chr16-23637588-C-T.
Other names: c.2657G>A, p.Trp886Ter (NM_001407296.1); c.2645G>A, p.Trp882Ter (NM_001407297.1); c.2717G>A, p.Trp906Ter (NM_001407299.1, NM_001407300.1, NM_001407301.1); c.1832G>A, p.Trp611Ter (NM_001407304.1, NM_001407305.1, NM_001407306.1 and 4 more transcripts); c.929G>A, p.Trp310Ter (NM_001407312.1, NM_001407313.1); c.251G>A, p.Trp84Ter (NM_001407314.1); short protein forms W310*, W611*, W84*, W882*, W886*, W906*.
Identifiers: ClinVar variation 2189976 (VCV002189976.6), dbSNP rs2142353580, ClinGen allele CA395121884.

ClinVar aggregate classification (germline): Pathogenic. Review status: criteria provided, multiple submitters, no conflicts (2 of 4 stars). 3 submissions from 3 submitters: Pathogenic (3). Last evaluated 2026-03-30.

Conditions:
Familial cancer of breast. Also called: BREAST CANCER, FAMILIAL; Hereditary breast cancer; hereditary breast carcinoma. Identifiers: Orphanet 227535, MedGen C0346153, MONDO:0016419, OMIM 114480. Disease mechanism: loss of function.

Submissions (3):

GeneDx
Classification: Pathogenic. Last evaluated: 2026-03-30. Review status: criteria provided, single submitter. Criteria: GeneDx Variant Classification Process June 2021. Collection method: clinical testing. Allele origin: germline.
Comment: Nonsense variant predicted to result in protein truncation or nonsense mediated decay in a gene for which loss of function is a known mechanism of disease; Not observed at significant frequency in large population cohorts (gnomAD); Truncating variants in this gene are considered pathogenic by a well-established clinical consortium and/or database; This variant is associated with the following publications: (PMID: 32339256)

Myriad Genetics, Inc.
Classification: Pathogenic for Familial cancer of breast. Last evaluated: 2023-09-13. Review status: criteria provided, single submitter. Criteria: Myriad Autosomal Dominant, Autosomal Recessive and X-Linked Classification Criteria (2023). Collection method: clinical testing. Allele origin: unknown.
Comment: This variant is considered pathogenic. This variant creates a termination codon and is predicted to result in premature protein truncation.

Labcorp Genetics (formerly Invitae), Labcorp
Classification: Pathogenic for Familial cancer of breast. Last evaluated: 2022-08-08. Review status: criteria provided, single submitter. Criteria: Invitae Variant Classification Sherloc (09022015). Collection method: clinical testing. Allele origin: germline.
Comment: For these reasons, this variant has been classified as Pathogenic. This premature translational stop signal has been observed in individual(s) with breast cancer (PMID: 32339256). This variant is not present in population databases (gnomAD no frequency). This sequence change creates a premature translational stop signal (p.Trp906*) in the PALB2 gene. It is expected to result in an absent or disrupted protein product. Loss-of-function variants in PALB2 are known to be pathogenic (PMID: 17200668, 17200671, 17200672, 24136930, 25099575).

Literature cited by the submitters: PubMed 32339256 (cited by Labcorp Genetics (formerly Invitae), Labcorp); PubMed 17200668 (cited by Labcorp Genetics (formerly Invitae), Labcorp); PubMed 17200671 (cited by Labcorp Genetics (formerly Invitae), Labcorp); PubMed 17200672 (cited by Labcorp Genetics (formerly Invitae), Labcorp); PubMed 24136930 (cited by Labcorp Genetics (formerly Invitae), Labcorp); PubMed 25099575 (cited by Labcorp Genetics (formerly Invitae), Labcorp).